The following is an entry in ClinVar:

ClinVar aggregate classification (germline): Conflicting classifications of pathogenicity. Review status: criteria provided, conflicting classifications (1 of 4 stars). 3 submissions from 3 submitters: Uncertain significance (2); Likely benign (1). Last evaluated 2026-02-13.

Conditions:
Familial cancer of breast. Also called: Hereditary breast cancer; BREAST CANCER, FAMILIAL; hereditary breast carcinoma. Identifiers: Orphanet 227535, MedGen C0346153, MONDO:0016419, OMIM 114480. Disease mechanism: loss of function.
Hereditary cancer-predisposing syndrome. Also called: Neoplastic Syndromes, Hereditary; Hereditary neoplastic syndrome; Tumor predisposition; Hereditary Cancer Syndrome. Identifiers: Orphanet 140162, MedGen C0027672, MeSH D009386, MONDO:0015356.

Allele frequency attached by ClinVar (database versions not stated): TOPMed below 0.00001; gnomAD exomes 0.00001.
gnomAD v4.1: 3 of 1,613,220 alleles (0.00019%); highest among the groups gnomAD compares: Non-Finnish European, 0.00025%; no homozygotes.

Submissions (3):

Ambry Genetics
Classification: Likely benign for Hereditary cancer-predisposing syndrome. Last evaluated: 2026-02-13. Review status: criteria provided, single submitter. Criteria: Ambry Variant Classification Scheme 2023. Collection method: clinical testing. Allele origin: germline.

Baylor Genetics
Classification: Uncertain significance for Familial cancer of breast. Last evaluated: 2023-07-01. Review status: criteria provided, single submitter. Criteria: ACMG Guidelines, 2015. Collection method: clinical testing. Allele origin: unknown.

Labcorp Genetics (formerly Invitae), Labcorp
Classification: Uncertain significance for Familial cancer of breast. Last evaluated: 2021-01-20. Review status: criteria provided, single submitter. Criteria: Invitae Variant Classification Sherloc (09022015). Collection method: clinical testing. Allele origin: germline.
Comment: This variant has not been reported in the literature in individuals with PALB2-related disease. This variant is not present in population databases (ExAC no frequency). This sequence change replaces aspartic acid with asparagine at codon 111 of the PALB2 protein (p.Asp111Asn). The aspartic acid residue is weakly conserved and there is a small physicochemical difference between aspartic acid and asparagine. Algorithms developed to predict the effect of missense changes on protein structure and function output the following: SIFT: "Tolerated"; PolyPhen-2: "Benign"; Align-GVGD: "Class C0". The asparagine amino acid residue is found in multiple mammalian species, suggesting that this missense change does not adversely affect protein function. These predictions have not been confirmed by published functional studies and their clinical significance is uncertain. In summary, the available evidence is currently insufficient to determine the role of this variant in disease. Therefore, it has been classified as a Variant of Uncertain Significance.

NM_024675.4(PALB2):c.331G>A (p.Asp111Asn)

Gene: PALB2 (partner and localizer of BRCA2; minus strand). Cytogenetic location: 16p12.2.
Variant type: single nucleotide variant.
Coding change: c.331G>A on transcript NM_024675.4 (MANE Select); coding-DNA position 331, G replaced by A.
Protein change: p.Asp111Asn; replaces aspartic acid 111 with asparagine.
Molecular consequence: missense variant.
Genome position (GRCh38, 1-based): chr16:23,636,215, C>T on the plus strand (G>A on the coding strand, the complement: PALB2 is on the minus strand). VCF-style: chr16-23636215-C-T. GRCh37 (hg19) VCF-style: chr16-23647536-C-T.
Other names: short protein forms D111N.
Identifiers: ClinVar variation 658802 (VCV000658802.11), dbSNP rs1597099556, ClinGen allele CA395137807.
Genomic context (GRCh38, chr16:23,636,215, plus strand): 5'-TGTGGGGAAAATGTTCTTGGGTGTCATCTGTTCTTTGTATAGGTAATCCTCCTGGGCCAT[C>T]TCCAGGGTTAAAGGACTCAGGCCCAACATCAAGTGTGATAGATGTCTTTTCTCCAGTTTC-3'
Protein context (NP_078951.2, residues 101-121): DVGPESFNPG[Asp111Asn]GPGGLPIQRT